The following is an entry in ClinVar:

NM_000302.4(PLOD1):c.644-3C>T

Gene: PLOD1 (procollagen-lysine,2-oxoglutarate 5-dioxygenase 1; plus strand). Cytogenetic location: 1p36.22.
Variant type: single nucleotide variant.
Coding change: c.644-3C>T on transcript NM_000302.4 (MANE Select); 3 bases into the intron before coding-DNA position 644, C replaced by T.
Molecular consequence: intron variant.
Genome position (GRCh38, 1-based): chr1:11,956,914, C>T. VCF-style: chr1-11956914-C-T. GRCh37 (hg19) VCF-style: chr1-12016971-C-T.
Other names: c.785-3C>T (NM_001316320.2).
Identifiers: ClinVar variation 1753562 (VCV001753562.2), dbSNP rs772128366, ClinGen allele CA598039.

ClinVar aggregate classification (germline): Uncertain significance (1 of 4 stars; one submission).

Conditions:
Familial thoracic aortic aneurysm and aortic dissection (TAAD). Also called: Thoracic aortic aneurysms and dissections. Identifiers: Orphanet 91387, MedGen C4707243, MONDO:0019625.

Allele frequency attached by ClinVar (database versions not stated): gnomAD exomes below 0.00001; ExAC 0.00001.
gnomAD v4.1: 1 of 1,607,606 alleles (0.000062%); highest among the groups gnomAD compares: Non-Finnish European, 0.000085%; no homozygotes.

Submission:

Ambry Genetics
Classification: Uncertain significance for Familial thoracic aortic aneurysm and aortic dissection. Last evaluated: 2021-09-16. Review status: criteria provided, single submitter. Criteria: Ambry Variant Classification Scheme 2023. Collection method: clinical testing. Allele origin: germline.
Comment: The c.644-3C>T intronic variant results from a C to T substitution 3 nucleotides upstream from coding exon 7 in the PLOD1 gene. This nucleotide position is well conserved in available vertebrate species. In silico splice site analysis predicts that this alteration will not have any significant effect on splicing. Since supporting evidence is limited at this time, the clinical significance of this alteration remains unclear.